The following is an entry in ClinVar:

ClinVar aggregate classification (germline): Uncertain significance (1 of 4 stars; one submission).

Submission:

GeneDx
Classification: Uncertain significance. Last evaluated: 2026-02-22. Review status: criteria provided, single submitter. Criteria: GeneDx Variant Classification Process June 2021. Collection method: clinical testing. Allele origin: germline.
Comment: In-frame deletion of 1 amino acid(s) in a non-repeat region; Not observed at significant frequency in large population cohorts (gnomAD); In silico analysis suggests that this variant does not alter protein structure/function; Has not been previously published as pathogenic or benign to our knowledge

NM_001348716.2(KDM6B):c.4908+26_4908+28del

Gene: KDM6B (lysine demethylase 6B; plus strand). Cytogenetic location: 17p13.1.
Variant type: Deletion.
Coding change: c.4908+26_4908+28del on transcript NM_001348716.2 (MANE Select); bases 26 to 28 of the intron after coding-DNA position 4908, 3 bases deleted (AGC; older notation c.4908+26_4908+28delAGC).
Molecular consequence: intron variant.
Genome position (GRCh38, 1-based): chr17:7,853,406-7,853,408, AGC deleted; deleting any 3 consecutive bases within chr17:7,853,404-7,853,408 gives the same sequence; the c. name uses the placement nearest the transcript's 3' end. VCF-style (leftmost placement, unchanged base first): chr17-7853403-GGCA-G. GRCh37 (hg19) VCF-style: chr17-7756721-GGCA-G.
Other names: c.4934_4936del, p.Gln1645del (NM_001080424.2); short protein forms Q1645del.
Identifiers: ClinVar variation 3362075 (VCV003362075.2).